The following is an entry in ClinVar:

NM_138773.4(SLC25A46):c.985G>A (p.Val329Ile)

Gene: SLC25A46 (solute carrier family 25 member 46; plus strand). Cytogenetic location: 5q22.1.
Variant type: single nucleotide variant.
Coding change: c.985G>A on transcript NM_138773.4 (MANE Select); coding-DNA position 985, G replaced by A.
Protein change: p.Val329Ile; replaces valine 329 with isoleucine.
Molecular consequence: missense variant. On other transcripts: non-coding transcript variant (1).
Genome position (GRCh38, 1-based): chr5:110,761,510, G>A. VCF-style: chr5-110761510-G-A. GRCh37 (hg19) VCF-style: chr5-110097210-G-A.
Other names: c.742G>A, p.Val248Ile (NM_001303249.3); c.712G>A, p.Val238Ile (NM_001303250.3); short protein forms V329I, V238I, V248I.
Identifiers: ClinVar variation 844337 (VCV000844337.10), dbSNP rs750717175, ClinGen allele CA3364790.

ClinVar aggregate classification (germline): Uncertain significance (1 of 4 stars; one submission).

Conditions:
Neuropathy, hereditary motor and sensory, type 6B (HMSN6B). Also called: HMSN VIB; CHARCOT-MARIE-TOOTH DISEASE, TYPE 6B; Neuropathy, hereditary motor and sensory, type VIB; NEUROPATHY, HEREDITARY MOTOR AND SENSORY, TYPE VIB, WITH OPTIC ATROPHY. Identifiers: MedGen C4225302, MONDO:0014671, OMIM 616505.

Allele frequency attached by ClinVar (database versions not stated): ExAC 0.00001; gnomAD exomes 0.00001 and 0.00002; TOPMed 0.00001; gnomAD 0.00002.
gnomAD v4.1: 13 of 1,613,614 alleles (0.00081%); highest among the groups gnomAD compares: African/African-American, 0.0053%; no homozygotes.

Submission:

Labcorp Genetics (formerly Invitae), Labcorp
Classification: Uncertain significance for Neuropathy, hereditary motor and sensory, type 6B. Last evaluated: 2022-05-20. Review status: criteria provided, single submitter. Criteria: Invitae Variant Classification Sherloc (09022015). Collection method: clinical testing. Allele origin: germline.
Comment: In summary, the available evidence is currently insufficient to determine the role of this variant in disease. Therefore, it has been classified as a Variant of Uncertain Significance. Algorithms developed to predict the effect of missense changes on protein structure and function output the following: SIFT: "Tolerated"; PolyPhen-2: "Benign"; Align-GVGD: "Class C0". The isoleucine amino acid residue is found in multiple mammalian species, which suggests that this missense change does not adversely affect protein function. ClinVar contains an entry for this variant (Variation ID: 844337). This variant has not been reported in the literature in individuals affected with SLC25A46-related conditions. This variant is present in population databases (rs750717175, gnomAD 0.01%). This sequence change replaces valine, which is neutral and non-polar, with isoleucine, which is neutral and non-polar, at codon 329 of the SLC25A46 protein (p.Val329Ile).